The following is an entry in ClinVar:

ClinVar aggregate classification (germline): Likely benign. Review status: criteria provided, multiple submitters, no conflicts (2 of 4 stars). 4 submissions from 4 submitters: Likely benign (3). 1 of the submissions does not count toward it. Last evaluated 2025-09-10.

Conditions:
Dyskeratosis congenita, autosomal recessive 5 (DKCB5). Identifiers: MedGen C3554656, MONDO:0014076, OMIM 615190.
Pulmonary fibrosis and/or bone marrow failure, Telomere-related, 3. Also called: PULMONARY FIBROSIS AND/OR BONE MARROW FAILURE SYNDROME, TELOMERE-RELATED, 3. Identifiers: Orphanet 2032, MedGen C4225346, MONDO:0014613, OMIM 616373.
Inborn genetic diseases. Identifiers: MedGen C0950123, MeSH D030342.
Dyskeratosis congenita, autosomal dominant 1 (DKCA1). Also called: Dyskeratosis congenita Scoggins type. Identifiers: Orphanet 1775, MedGen C4551974, MONDO:0007485, OMIM 127550. Inheritance: Variable.

Allele frequency attached by ClinVar (database versions not stated): TOPMed 0.00005; gnomAD exomes 0.00006 and 0.00002; ExAC 0.00004; gnomAD 0.00004.
gnomAD v4.1: 40 of 1,612,526 alleles (0.0025%); highest among the groups gnomAD compares: Middle Eastern, 0.016%; no homozygotes.

Submissions (4):

Labcorp Genetics (formerly Invitae), Labcorp
Classification: Likely benign for Dyskeratosis congenita, autosomal recessive 5; Pulmonary fibrosis and/or bone marrow failure, Telomere-related, 3. Last evaluated: 2025-09-10. Review status: criteria provided, single submitter. Criteria: Invitae Variant Classification Sherloc (09022015). Collection method: clinical testing. Allele origin: germline.

Ambry Genetics
Classification: Likely benign for Inborn genetic diseases. Last evaluated: 2024-04-05. Review status: criteria provided, single submitter. Criteria: Ambry Variant Classification Scheme 2023. Collection method: clinical testing. Allele origin: germline.

CeGaT Center for Human Genetics Tuebingen
Classification: Likely benign. Last evaluated: 2022-08-01. Review status: criteria provided, single submitter. Criteria: CeGaT Center For Human Genetics Tuebingen Variant Classification Criteria Version 2. Collection method: clinical testing. Allele origin: germline. Affected: yes. Observed: 1 variant allele.
Comment: RTEL1: BP4, BP7

Natera, Inc.
Classification: Likely benign for Autosomal dominant dyskeratosis congenita. Last evaluated: 2020-04-29. Review status: no assertion criteria provided. Collection method: clinical testing. Allele origin: germline. Not counted in ClinVar's aggregate classification.

NM_001283009.2(RTEL1):c.987C>T (p.Ile329=)

Genes: RTEL1 (regulator of telomere elongation helicase 1; plus strand), RTEL1-TNFRSF6B (RTEL1-TNFRSF6B readthrough (NMD candidate); plus strand). Cytogenetic location: 20q13.33.
Variant type: single nucleotide variant.
Coding change: c.987C>T on transcript NM_001283009.2 (MANE Select); coding-DNA position 987, C replaced by T.
Protein change: p.Ile329=; no amino-acid change (isoleucine 329 retained).
Molecular consequence: synonymous variant. On other transcripts: non-coding transcript variant (1).
Genome position (GRCh38, 1-based): chr20:63,678,296, C>T. VCF-style: chr20-63678296-C-T. GRCh37 (hg19) VCF-style: chr20-62309649-C-T.
Other names: c.318C>T, p.Ile106= (NM_001283010.1); c.987C>T, p.Ile329= (NM_016434.4); c.1059C>T, p.Ile353= (NM_032957.5).
Identifiers: ClinVar variation 718057 (VCV000718057.34), dbSNP rs763882822, ClinGen allele CA9964552.